The following is an entry in ClinVar:

NM_031935.3(HMCN1):c.15077G>A (p.Arg5026Gln)

Gene: HMCN1 (hemicentin 1; plus strand). Cytogenetic location: 1q31.1.
Variant type: single nucleotide variant.
Coding change: c.15077G>A on transcript NM_031935.3 (MANE Select); coding-DNA position 15077, G replaced by A.
Protein change: p.Arg5026Gln; replaces arginine 5026 with glutamine.
Molecular consequence: missense variant.
Genome position (GRCh38, 1-based): chr1:186,153,808, G>A. VCF-style: chr1-186153808-G-A. GRCh37 (hg19) VCF-style: chr1-186122940-G-A.
Other names: c.15077G>A (NM_031935.2); short protein forms R5026Q.
Identifiers: ClinVar variation 1511058 (VCV001511058.7), dbSNP rs146392053, ClinGen allele CA1295150.

ClinVar aggregate classification (germline): Uncertain significance. Review status: criteria provided, multiple submitters, no conflicts (2 of 4 stars). 2 submissions from 2 submitters: Uncertain significance (2). Last evaluated 2024-12-11.

Allele frequency attached by ClinVar (database versions not stated): gnomAD 0.00006 and 0.00007; gnomAD exomes 0.00007 and 0.00011; TOPMed 0.00008; ExAC 0.00011; ESP Exome Variant Server 0.00015; 1000 Genomes Project 0.00020; 1000 Genomes Project 30x 0.00031.
gnomAD v4.1: 117 of 1,614,070 alleles (0.0072%); highest among the groups gnomAD compares: East Asian, 0.033%; no homozygotes.

Submissions (2):

Ambry Genetics
Classification: Uncertain significance. Last evaluated: 2024-12-11. Review status: criteria provided, single submitter. Criteria: Ambry Variant Classification Scheme 2023. Collection method: clinical testing. Allele origin: germline.

Labcorp Genetics (formerly Invitae), Labcorp
Classification: Uncertain significance. Last evaluated: 2024-11-19. Review status: criteria provided, single submitter. Criteria: Invitae Variant Classification Sherloc (09022015). Collection method: clinical testing. Allele origin: germline.
Comment: This sequence change replaces arginine, which is basic and polar, with glutamine, which is neutral and polar, at codon 5026 of the HMCN1 protein (p.Arg5026Gln). This variant is present in population databases (rs146392053, gnomAD 0.07%), and has an allele count higher than expected for a pathogenic variant. This variant has not been reported in the literature in individuals affected with HMCN1-related conditions. ClinVar contains an entry for this variant (Variation ID: 1511058). An algorithm developed to predict the effect of missense changes on protein structure and function (PolyPhen-2) suggests that this variant is likely to be disruptive. In summary, the available evidence is currently insufficient to determine the role of this variant in disease. Therefore, it has been classified as a Variant of Uncertain Significance.